The following is an entry in ClinVar:

NM_002691.4(POLD1):c.776A>T (p.Asp259Val)

Gene: POLD1 (DNA polymerase delta 1, catalytic subunit; plus strand). Cytogenetic location: 19q13.33.
Variant type: single nucleotide variant.
Coding change: c.776A>T on transcript NM_002691.4 (MANE Select); coding-DNA position 776, A replaced by T.
Protein change: p.Asp259Val; replaces aspartic acid 259 with valine.
Molecular consequence: missense variant. On other transcripts: non-coding transcript variant (1).
Genome position (GRCh38, 1-based): chr19:50,402,471, A>T. VCF-style: chr19-50402471-A-T. GRCh37 (hg19) VCF-style: chr19-50905728-A-T.
Other names: c.776A>T, p.Asp259Val (NM_001256849.1, NM_001308632.1); short protein forms D259V.
Identifiers: ClinVar variation 3222750 (VCV003222750.1), dbSNP rs2513966025, ClinGen allele CA406974840.

ClinVar aggregate classification (germline): Uncertain significance (1 of 4 stars; one submission).

Conditions:
Hereditary cancer-predisposing syndrome. Also called: Tumor predisposition; Hereditary neoplastic syndrome; Hereditary Cancer Syndrome; Neoplastic Syndromes, Hereditary. Identifiers: Orphanet 140162, MedGen C0027672, MeSH D009386, MONDO:0015356.

Submission:

Ambry Genetics
Classification: Uncertain significance for Hereditary cancer-predisposing syndrome. Last evaluated: 2024-01-01. Review status: criteria provided, single submitter. Criteria: Ambry Variant Classification Scheme 2023. Collection method: clinical testing. Allele origin: germline.
Comment: The p.D259V variant (also known as c.776A>T), located in coding exon 6 of the POLD1 gene, results from an A to T substitution at nucleotide position 776. The aspartic acid at codon 259 is replaced by valine, an amino acid with highly dissimilar properties. This amino acid position is conserved. In addition, this alteration is predicted to be tolerated by in silico analysis. Since supporting evidence is limited at this time, the clinical significance of this alteration remains unclear.